The following is an entry in ClinVar:

ClinVar aggregate classification (germline): Benign. Review status: criteria provided, multiple submitters, no conflicts (2 of 4 stars). 2 submissions from 2 submitters: Benign (2). Last evaluated 2018-01-12.

Conditions:
Inflammatory bowel disease 28. Also called: Inflammatory bowel disease 28, early onset, autosomal recessive. Identifiers: Orphanet 238569, MedGen C2751053, MONDO:0013153, OMIM 613148.

Allele frequency attached by ClinVar (database versions not stated): gnomAD exomes 0.00197 and 0.00334; ExAC 0.00265; TOPMed 0.01262; gnomAD 0.01291 and 0.01357; 1000 Genomes Project 0.01478; 1000 Genomes Project 30x 0.01593.

Submissions (2):

Illumina Laboratory Services, Illumina
Classification: Benign for Inflammatory bowel disease 28. Last evaluated: 2018-01-12. Review status: criteria provided, single submitter. Criteria: ICSL Variant Classification Criteria 13 December 2019. Collection method: clinical testing. Allele origin: germline.
Comment: This variant was observed in the ICSL laboratory as part of a predisposition screen in an ostensibly healthy population. It had not been previously curated by ICSL or reported in the Human Gene Mutation Database (HGMD: prior to June 1st, 2018), and was therefore a candidate for classification through an automated scoring system. Utilizing variant allele frequency, disease prevalence and penetrance estimates, and inheritance mode, an automated score was calculated to assess if this variant is too frequent to cause the disease. Based on the score and internal cut-off values, a variant classified as benign is not then subjected to further curation. The score for this variant resulted in a classification of benign for this disease.

Breakthrough Genomics
Classification: Benign. Review status: criteria provided, single submitter. Criteria: ACMG Guidelines, 2015. Collection method: not provided. Allele origin: germline. Inheritance: Autosomal recessive inheritance. Affected: yes.

NM_001558.4(IL10RA):c.*1348G>C

Gene: IL10RA (interleukin 10 receptor subunit alpha; plus strand). Cytogenetic location: 11q23.3.
Variant type: single nucleotide variant.
Coding change: c.*1348G>C on transcript NM_001558.4 (MANE Select); 1348 bases downstream of the stop codon, G replaced by C.
Molecular consequence: 3 prime UTR variant. On other transcripts: non-coding transcript variant (1).
Genome position (GRCh38, 1-based): chr11:118,000,989, G>C. VCF-style: chr11-118000989-G-C. GRCh37 (hg19) VCF-style: chr11-117871704-G-C.
Identifiers: ClinVar variation 302572 (VCV000302572.6), dbSNP rs4252293, ClinGen allele CA6299305.
Genomic context (GRCh38, chr11:118,000,989, plus strand): 5'-TCTGCCTTCAAACAAAGGCAGTTCAGTCCACAGGCATGGAAGCTGTGAGGGGACAGGCCT[G>C]TGCGTGCCATCCAGAGTCATCTCAGCCCTGCCTTTCTCTGGAGCATTCTGAAAACAGATA-3'